The following is an entry in ClinVar:

NM_024685.4(BBS10):c.962A>G (p.Tyr321Cys)

Gene: BBS10 (Bardet-Biedl syndrome 10; minus strand). Cytogenetic location: 12q21.2.
Variant type: single nucleotide variant.
Coding change: c.962A>G on transcript NM_024685.4 (MANE Select); coding-DNA position 962, A replaced by G.
Protein change: p.Tyr321Cys; replaces tyrosine 321 with cysteine.
Molecular consequence: missense variant.
Genome position (GRCh38, 1-based): chr12:76,347,023, T>C on the plus strand (A>G on the coding strand, the complement: BBS10 is on the minus strand). VCF-style: chr12-76347023-T-C. GRCh37 (hg19) VCF-style: chr12-76740803-T-C.
Other names: c.962A>G (NM_024685.3); c.962A>G, p.Tyr321Cys (LRG_1255t1); short protein forms Y321C.
Identifiers: ClinVar variation 625447 (VCV000625447.6), dbSNP rs771325212, ClinGen allele CA6694257.
Genomic context (GRCh38, chr12:76,347,023, plus strand): 5'-AGAGAAACTTCTTCTGATGATAAACACTCAACCACTGATATGCCATTCACCCCTGCATAA[T>C]AACTAACTAAATCTGGTTGTTTCACACTAGATATGAGCAATTTTACATTCTGACTATGTA-3'
Protein context (NP_078961.3, residues 311-331): SSVKQPDLVS[Tyr321Cys]YAGVNGISVV

ClinVar aggregate classification (germline): Conflicting classifications of pathogenicity. Review status: criteria provided, conflicting classifications (1 of 4 stars). 5 submissions from 5 submitters: Pathogenic (1); Likely pathogenic (3); Uncertain significance (1). Last evaluated 2026-01-13.

Conditions:
Bardet-Biedl syndrome (BBS). Identifiers: Orphanet 110, MedGen C0752166, MONDO:0015229.
Bardet-Biedl syndrome 10 (BBS10). Identifiers: Orphanet 110, MedGen C1859568, MONDO:0014438, OMIM 615987.
BBS10-related disorder. Also called: BBS10-related condition.

Allele frequency attached by ClinVar (database versions not stated): gnomAD exomes below 0.00001; ExAC 0.00001.
gnomAD v4.1: 2 of 1,612,848 alleles (0.00012%); highest among the groups gnomAD compares: Non-Finnish European, 0.00017%; no homozygotes.

Submissions (5):

Natera, Inc.
Classification: Pathogenic for Bardet-Biedl syndrome type 10. Last evaluated: 2026-01-13. Review status: criteria provided, single submitter. Criteria: Natera Variant Classification Schema (03/2026). Collection method: clinical testing. Allele origin: germline.
Comment: The c.962A>G variant in BBS10 is a missense variant predicted to cause substitution of tyrosine to cysteine at amino acid 321. This variant is rare in the general population with a frequency below the threshold expected for the associated phenotype(s). This variant has been observed in one or more individuals affected with the associated recessive disease, as either homozygous or compound heterozygous with a second variant (PMID: 28143435, 39990901). Additionally, this variant has been observed to segregate in affected family members (PMID: 39990901). This variant has been identified in one or more affected individual with a phenotype highly consistent with the associated gene (PMID: 2814343). Computational prediction algorithms indicate this variant is likely to affect gene or protein function. Given the available evidence, this variant is classified as Pathogenic.

Women's Health and Genetics/Laboratory Corporation of America, LabCorp
Classification: Uncertain significance. Last evaluated: 2025-02-24. Review status: criteria provided, single submitter. Criteria: LabCorp Variant Classification Summary - May 2015. Collection method: clinical testing. Allele origin: germline.
Comment: Variant summary: BBS10 c.962A>G (p.Tyr321Cys) results in a non-conservative amino acid change in the encoded protein sequence. Five of five in-silico tools predict a damaging effect of the variant on protein function. The variant allele was found at a frequency of 4e-06 in 250214 control chromosomes. c.962A>G has been reported in the literature in individuals affected with Bardet-Biedl Syndrome (Esposito_2017, Manara_2019). These data indicate that the variant may be associated with disease. To our knowledge, no experimental evidence demonstrating an impact on protein function has been reported. The following publications have been ascertained in the context of this evaluation (PMID: 28143435, 36460718, 31196119). ClinVar contains an entry for this variant (Variation ID: 625447). Based on the evidence outlined above, the variant was classified as VUS-possibly pathogenic.

Baylor Genetics
Classification: Likely pathogenic for Bardet-Biedl syndrome 10. Last evaluated: 2023-10-17. Review status: criteria provided, single submitter. Criteria: ACMG Guidelines, 2015. Collection method: clinical testing. Allele origin: unknown.

Blueprint Genetics
Classification: Likely pathogenic for BBS10-related disorders. Last evaluated: 2021-05-14. Review status: criteria provided, single submitter. Criteria: ACMG Guidelines, 2015. Collection method: clinical testing. Allele origin: germline. Affected: yes. Observed: 1 variant allele.

MAGI'S LAB - Medical Genetics Laboratory, MAGI GROUP
Classification: Likely pathogenic for Bardet-Biedl syndrome. Last evaluated: 2018-10-01. Review status: criteria provided, single submitter. Criteria: ACMG Guidelines, 2015. Collection method: clinical testing. Allele origin: germline. Affected: yes.

Literature cited by the submitters: PubMed 28143435 (cited by Natera, Inc. and Women's Health and Genetics/Laboratory Corporation of America, LabCorp); PubMed 39990901 (cited by Natera, Inc.); PubMed 2814343 (cited by Natera, Inc.); PubMed 31196119 (cited by Women's Health and Genetics/Laboratory Corporation of America, LabCorp); PubMed 36460718 (cited by Women's Health and Genetics/Laboratory Corporation of America, LabCorp); PubMed 20805367 (cited by MAGI'S LAB - Medical Genetics Laboratory, MAGI GROUP).